The following is an entry in ClinVar:

ClinVar aggregate classification (germline): Likely pathogenic (1 of 4 stars; one submission).

Submission:

Athena Diagnostics
Classification: Likely pathogenic. Last evaluated: 2025-04-01. Review status: criteria provided, single submitter. Criteria: Athena Diagnostics Criteria. Collection method: clinical testing. Allele origin: unknown.
Comment: This duplication is likely inserted in tandem with the original copy (PMID: 25640679) and result in the loss of a functional protein in a gene for which loss of function is associated with disease. A similar duplication of exons 12-21 has not been reported in large, multi-ethnic general populations. A similar duplication of exons 12-21 was identified in a cohort consisting of individuals with DMD/BMD and mothers of children with DMD/BMD.

Literature cited by the submitters: PubMed 17561468.

Single allele

Gene: DMD (dystrophin; minus strand). Cytogenetic location: Xp21.1.
Variant type: Duplication.
Identifiers: ClinVar variation 4682444 (VCV004682444.1).